The following is an entry in ClinVar:

ClinVar aggregate classification (germline): Likely benign (1 of 4 stars; one submission).

gnomAD v4.1: 3 of 1,614,232 alleles (0.00019%); highest among the groups gnomAD compares: Non-Finnish European, 0.00025%; no homozygotes.

Submission:

CeGaT Center for Human Genetics Tuebingen
Classification: Likely benign. Last evaluated: 2025-02-01. Review status: criteria provided, single submitter. Criteria: CeGaT Center For Human Genetics Tuebingen Variant Classification Criteria Version 2. Collection method: clinical testing. Allele origin: germline. Affected: yes. Observed: 1 variant allele.
Comment: ZNF423: BP4, BP7

NM_001379286.1(ZNF423):c.1860G>A (p.Val620=)

Gene: ZNF423 (zinc finger protein 423; minus strand). Cytogenetic location: 16q12.1.
Variant type: single nucleotide variant.
Coding change: c.1860G>A on transcript NM_001379286.1 (MANE Select); coding-DNA position 1860, G replaced by A.
Protein change: p.Val620=; no amino-acid change (valine 620 retained).
Molecular consequence: synonymous variant.
Genome position (GRCh38, 1-based): chr16:49,637,316, C>T on the plus strand (G>A on the coding strand, the complement: ZNF423 is on the minus strand). VCF-style: chr16-49637316-C-T. GRCh37 (hg19) VCF-style: chr16-49671227-C-T.
Other names: c.1656G>A, p.Val552= (NM_001271620.2); c.1485G>A, p.Val495= (NM_001330533.2); c.1836G>A, p.Val612= (NM_015069.5).
Identifiers: ClinVar variation 3778325 (VCV003778325.7).